The following is an entry in ClinVar:

ClinVar aggregate classification (germline): Uncertain significance (1 of 4 stars; one submission).

Conditions:
Myofibrillar myopathy 5. Also called: Filaminopathy (type); FILAMINOPATHY, AUTOSOMAL DOMINANT. Identifiers: Orphanet 171445, MedGen C1836050, MONDO:0012289, OMIM 609524.
Distal myopathy with posterior leg and anterior hand involvement. Also called: WILLIAMS DISTAL MYOPATHY. Identifiers: Orphanet 63273, MedGen C3279722, MONDO:0013550, OMIM 614065.
Hypertrophic cardiomyopathy 26. Also called: Cardiomyopathy, familial hypertrophic, 26. Identifiers: Orphanet 75249, MedGen C4310749, MONDO:0014883, OMIM 617047.

Submission:

Labcorp Genetics (formerly Invitae), Labcorp
Classification: Uncertain significance for Distal myopathy with posterior leg and anterior hand involvement; Myofibrillar myopathy 5; Hypertrophic cardiomyopathy 26. Last evaluated: 2022-08-12. Review status: criteria provided, single submitter. Criteria: Invitae Variant Classification Sherloc (09022015). Collection method: clinical testing. Allele origin: germline.
Comment: This sequence change replaces glutamic acid, which is acidic and polar, with aspartic acid, which is acidic and polar, at codon 1408 of the FLNC protein (p.Glu1408Asp). This variant is not present in population databases (gnomAD no frequency). This variant has not been reported in the literature in individuals affected with FLNC-related conditions. Algorithms developed to predict the effect of missense changes on protein structure and function are either unavailable or do not agree on the potential impact of this missense change (SIFT: "Deleterious"; PolyPhen-2: "Benign"; Align-GVGD: "Class C0"). In summary, the available evidence is currently insufficient to determine the role of this variant in disease. Therefore, it has been classified as a Variant of Uncertain Significance.

NM_001458.5(FLNC):c.4224G>T (p.Glu1408Asp)

Gene: FLNC (filamin C; plus strand). Cytogenetic location: 7q32.1.
Variant type: single nucleotide variant.
Coding change: c.4224G>T on transcript NM_001458.5 (MANE Select); coding-DNA position 4224, G replaced by T.
Protein change: p.Glu1408Asp; replaces glutamic acid 1408 with aspartic acid.
Molecular consequence: missense variant.
Genome position (GRCh38, 1-based): chr7:128,846,841, G>T. VCF-style: chr7-128846841-G-T. GRCh37 (hg19) VCF-style: chr7-128486895-G-T.
Other names: c.4224G>T, p.Glu1408Asp (NM_001127487.2); short protein forms E1408D.
Identifiers: ClinVar variation 1716268 (VCV001716268.6), dbSNP rs1585162083, ClinGen allele CA369200732.